The following is an entry in ClinVar:

NM_001374736.1(DST):c.14092A>T (p.Met4698Leu)

Gene: DST (dystonin; minus strand). Cytogenetic location: 6p12.1.
Variant type: single nucleotide variant.
Coding change: c.14092A>T on transcript NM_001374736.1 (MANE Select); coding-DNA position 14092, A replaced by T.
Protein change: p.Met4698Leu; replaces methionine 4698 with leucine.
Molecular consequence: missense variant.
Genome position (GRCh38, 1-based): chr6:56,561,526, T>A on the plus strand (A>T on the coding strand, the complement: DST is on the minus strand). VCF-style: chr6-56561526-T-A. GRCh37 (hg19) VCF-style: chr6-56426324-T-A.
Other names: c.7201A>T, p.Met2401Leu (NM_001374730.1, NM_001386100.1, NM_183380.4); c.14119A>T, p.Met4707Leu (NM_001374734.1); c.13459A>T, p.Met4487Leu (NM_001374729.1); c.7321A>T, p.Met2441Leu (NM_001144770.2); c.14092A>T, p.Met4698Leu (NM_001374722.1); c.7735A>T, p.Met2579Leu (NM_001144769.5); c.6223A>T, p.Met2075Leu (NM_015548.5); short protein forms M2579L, M4707L, M2401L, M2075L, M2441L, M4487L, M4698L.
Identifiers: ClinVar variation 1760373 (VCV001760373.7), dbSNP rs1350794440, ClinGen allele CA364523104.

ClinVar aggregate classification (germline): Uncertain significance. Review status: criteria provided, multiple submitters, no conflicts (2 of 4 stars). 2 submissions from 2 submitters: Uncertain significance (2). Last evaluated 2022-07-06.

Conditions:
Epidermolysis bullosa simplex 3, localized or generalized intermediate, with BP230 deficiency (EBS3). Also called: Epidermolysis bullosa simplex due to BP230 deficiency; Epidermolysis bullosa simplex, autosomal recessive 2. Identifiers: Orphanet 412181, MedGen C3809470, MONDO:0014180, OMIM 615425.
Hereditary sensory and autonomic neuropathy type 6. Also called: HSAN VI; Neuropathy, hereditary sensory and autonomic, type VI. Identifiers: Orphanet 314381, MedGen C3539003, MONDO:0013839, OMIM 614653.
Inborn genetic diseases. Identifiers: MedGen C0950123, MeSH D030342.

Allele frequency attached by ClinVar (database versions not stated): gnomAD exomes below 0.00001; gnomAD 0.00001.
gnomAD v4.1: 6 of 1,613,206 alleles (0.00037%); highest among the groups gnomAD compares: East Asian, 0.0022%; no homozygotes.

Submissions (2):

Ambry Genetics
Classification: Uncertain significance for Inborn genetic diseases. Last evaluated: 2022-07-06. Review status: criteria provided, single submitter. Criteria: Ambry Variant Classification Scheme 2023. Collection method: clinical testing. Allele origin: germline.
Comment: The p.M2579L variant (also known as c.7735A>T), located in coding exon 51 of the DST gene, results from an A to T substitution at nucleotide position 7735. The methionine at codon 2579 is replaced by leucine, an amino acid with highly similar properties. This amino acid position is well conserved in available vertebrate species. In addition, this alteration is predicted to be tolerated by in silico analysis. Since supporting evidence is limited at this time, the clinical significance of this alteration remains unclear.

Labcorp Genetics (formerly Invitae), Labcorp
Classification: Uncertain significance for Epidermolysis bullosa simplex 3, localized or generalized intermediate, with BP230 deficiency; Hereditary sensory and autonomic neuropathy type 6. Last evaluated: 2022-03-03. Review status: criteria provided, single submitter. Criteria: Invitae Variant Classification Sherloc (09022015). Collection method: clinical testing. Allele origin: germline.
Comment: In summary, the available evidence is currently insufficient to determine the role of this variant in disease. Therefore, it has been classified as a Variant of Uncertain Significance. Experimental studies and prediction algorithms are not available or were not evaluated, and the functional significance of this variant is currently unknown. This variant has not been reported in the literature in individuals affected with DST-related conditions. This variant is present in population databases (no rsID available, gnomAD 0.06%). This sequence change replaces methionine, which is neutral and non-polar, with leucine, which is neutral and non-polar, at codon 2075 of the DST protein (p.Met2075Leu). The DST gene has multiple clinically relevant transcripts. This variant occurs in alternate transcript NM_015548.4, and corresponds to NM_001723.5:c.*53991A>T in the primary transcript.